The following is an entry in ClinVar:

ClinVar aggregate classification (germline): Uncertain significance (1 of 4 stars; one submission).

gnomAD v4.1: 12 of 1,613,662 alleles (0.00074%); highest among the groups gnomAD compares: Admixed American, 0.0017%; no homozygotes.

Submission:

GeneDx
Classification: Uncertain significance. Last evaluated: 2026-04-08. Review status: criteria provided, single submitter. Criteria: GeneDx Variant Classification Process June 2021. Collection method: clinical testing. Allele origin: germline.
Comment: In silico analysis supports that this missense variant has a deleterious effect on protein structure/function; Has not been previously published as pathogenic or benign to our knowledge

NM_014738.6(TMEM94):c.2459G>C (p.Gly820Ala)

Gene: TMEM94 (transmembrane protein 94; plus strand). Cytogenetic location: 17q25.1.
Variant type: single nucleotide variant.
Coding change: c.2459G>C on transcript NM_014738.6 (MANE Select); coding-DNA position 2459, G replaced by C.
Protein change: p.Gly820Ala; replaces glycine 820 with alanine.
Molecular consequence: missense variant.
Genome position (GRCh38, 1-based): chr17:75,494,678, G>C. VCF-style: chr17-75494678-G-C. GRCh37 (hg19) VCF-style: chr17-73490759-G-C.
Other names: c.2489G>C, p.Gly830Ala (NM_001321148.2); c.2471G>C, p.Gly824Ala (NM_001321149.2); c.2411G>C, p.Gly804Ala (NM_001351202.2); c.2486G>C, p.Gly829Ala (NM_001351203.2); short protein forms G830A, G824A, G829A, G804A, G820A.
Identifiers: ClinVar variation 3731166 (VCV003731166.2).